The following is an entry in ClinVar:

ClinVar aggregate classification (germline): Benign (1 of 4 stars; one submission).

Allele frequency attached by ClinVar (database versions not stated): gnomAD 0.20312 and 0.20985; TOPMed 0.20964; 1000 Genomes Project 0.24860; 1000 Genomes Project 30x 0.24906.
gnomAD v4.1: 31,912 of 152,104 alleles (21%); highest among the groups gnomAD compares: South Asian, 38%; 3,540 homozygotes.

Submission:

GeneDx
Classification: Benign. Last evaluated: 2018-06-18. Review status: criteria provided, single submitter. Criteria: GeneDx Variant Classification (06012015). Collection method: clinical testing. Allele origin: germline. Affected: yes.
Comment: This variant is considered likely benign or benign based on one or more of the following criteria: it is a conservative change, it occurs at a poorly conserved position in the protein, it is predicted to be benign by multiple in silico algorithms, and/or has population frequency not consistent with disease.

NM_004612.4(TGFBR1):c.1130+254G>A

Gene: TGFBR1 (transforming growth factor beta receptor 1; plus strand). Cytogenetic location: 9q22.33.
Variant type: single nucleotide variant.
Coding change: c.1130+254G>A on transcript NM_004612.4 (MANE Select); 254 bases into the intron after coding-DNA position 1130, G replaced by A.
Molecular consequence: intron variant.
Genome position (GRCh38, 1-based): chr9:99,145,142, G>A. VCF-style: chr9-99145142-G-A. GRCh37 (hg19) VCF-style: chr9-101907424-G-A.
Other names: c.1142+254G>A (NM_001306210.2); c.899+254G>A (NM_001130916.3).
Identifiers: ClinVar variation 683995 (VCV000683995.1), dbSNP rs10733710, ClinGen allele CA13054480.